The following is an entry in ClinVar:

NM_004036.5(ADCY3):c.2665G>A (p.Glu889Lys)

Gene: ADCY3 (adenylate cyclase 3; minus strand). Cytogenetic location: 2p23.3.
Variant type: single nucleotide variant.
Coding change: c.2665G>A on transcript NM_004036.5 (MANE Select); coding-DNA position 2665, G replaced by A.
Protein change: p.Glu889Lys; replaces glutamic acid 889 with lysine.
Molecular consequence: missense variant.
Genome position (GRCh38, 1-based): chr2:24,824,449, C>T on the plus strand (G>A on the coding strand, the complement: ADCY3 is on the minus strand). VCF-style: chr2-24824449-C-T. GRCh37 (hg19) VCF-style: chr2-25047318-C-T.
Other names: c.2668G>A, p.Glu890Lys (NM_001320613.2); c.2731G>A, p.Glu911Lys (NM_001377128.1); c.2527G>A, p.Glu843Lys (NM_001377129.1); c.2260G>A, p.Glu754Lys (NM_001377130.1); c.1942G>A, p.Glu648Lys (NM_001377131.1); c.2665G>A, p.Glu889Lys (NM_001377132.1); short protein forms E648K, E754K, E843K, E889K, E890K, E911K.
Identifiers: ClinVar variation 2629445 (VCV002629445.2), dbSNP rs769120427, ClinGen allele CA1553650.

ClinVar aggregate classification (germline): Uncertain significance (0 of 4 stars; one submission).

Conditions:
ADCY3-related disorder. Also called: ADCY3-related condition.

Allele frequency attached by ClinVar (database versions not stated): gnomAD exomes 0.00001; ExAC 0.00002; gnomAD 0.00002; TOPMed 0.00002.
gnomAD v4.1: 25 of 1,614,138 alleles (0.0015%); highest among the groups gnomAD compares: Non-Finnish European, 0.0017%; no homozygotes.

Submission:

PreventionGenetics, part of Exact Sciences
Classification: Uncertain significance for ADCY3-related condition. Last evaluated: 2024-05-27. Review status: no assertion criteria provided. Collection method: clinical testing. Allele origin: germline.
Comment: The ADCY3 c.2668G>A variant is predicted to result in the amino acid substitution p.Glu890Lys. To our knowledge, this variant has not been reported in the literature. This variant is reported in 0.0018% of alleles in individuals of European (Non-Finnish) descent in gnomAD. At this time, the clinical significance of this variant is uncertain due to the absence of conclusive functional and genetic evidence.